The following is an entry in ClinVar:

ClinVar aggregate classification (germline): Conflicting classifications of pathogenicity. Review status: criteria provided, conflicting classifications (1 of 4 stars). 5 submissions from 5 submitters: Uncertain significance (2); Likely benign (2). 1 of the submissions does not count toward it. Last evaluated 2026-02-02.

Conditions:
Bardet-Biedl syndrome (BBS). Identifiers: Orphanet 110, MedGen C0752166, MONDO:0015229.

Allele frequency attached by ClinVar (database versions not stated): 1000 Genomes Project 0.00220; ESP Exome Variant Server 0.00223; 1000 Genomes Project 30x 0.00250; gnomAD exomes 0.00048; ExAC 0.00066; gnomAD 0.00172 and 0.00185; TOPMed 0.00205.
gnomAD v4.1: 500 of 1,614,250 alleles (0.031%); highest among the groups gnomAD compares: African/African-American, 0.62%; 1 homozygote.

Submissions (5):

Labcorp Genetics (formerly Invitae), Labcorp
Classification: Likely benign for Bardet-Biedl syndrome. Last evaluated: 2026-02-02. Review status: criteria provided, single submitter. Criteria: Invitae Variant Classification Sherloc (09022015). Collection method: clinical testing. Allele origin: germline.

GeneDx
Classification: Uncertain significance. Last evaluated: 2025-09-23. Review status: criteria provided, single submitter. Criteria: GeneDx Variant Classification Process June 2021. Collection method: clinical testing. Allele origin: germline. Affected: yes.
Comment: Reported in the heterozygous state in an individual with Bardet-Biedl syndrome (BBS) who was not found to have a second BBS9 variant but did harbor a variant in another BBS-related gene; however, familial segregation information was not provided for either variant (PMID: 21052717); In silico analysis supports that this missense variant has a deleterious effect on protein structure/function; In silico analysis is inconclusive as to whether the variant alters gene splicing. In the absence of RNA/functional studies, the actual effect of this sequence change is unknown.; Also known as p.L781Q; This variant is associated with the following publications: (PMID: 21052717)

Blueprint Genetics
Classification: Likely benign. Last evaluated: 2024-10-03. Review status: criteria provided, single submitter. Criteria: ACMG Guidelines, 2015. Collection method: clinical testing. Allele origin: germline.

Center for Pediatric Genomic Medicine, Children's Mercy Hospital and Clinics
Classification: Uncertain significance. Last evaluated: 2017-07-28. Review status: criteria provided, single submitter. Criteria: ACMG Guidelines, 2015. Collection method: clinical testing. Allele origin: germline.

Genetic Services Laboratory, University of Chicago
Classification: Uncertain significance. Last evaluated: 2022-12-19. Review status: no assertion criteria provided. Collection method: clinical testing. Allele origin: germline. Affected: no. Not counted in ClinVar's aggregate classification.
Comment: DNA sequence analysis of the BBS9 gene demonstrated a sequence change, c.2336T>A, in exon 21 that results in an amino acid change, p.Leu779Gln. This sequence change has been described in the gnomAD database with a frequency of 0.66% in the African/African American subpopulation and includes one individual homozygous for this variant (dbSNP rs142434516). The p.Leu779Gln change affects a highly conserved amino acid residue located in a domain of the BBS9 protein that is not known to be functional. The p.Leu779Gln substitution appears to be deleterious using several in-silico pathogenicity prediction tools (SIFT, PolyPhen2, Align GVGD, REVEL). This sequence change has been previously described in an individual with Bardet-Biedl syndrome in the heterozygous state, however a second variant in BBS9 or another BBS-related gene was not identified (PMID: 21052717). Due to insufficient evidences and the lack of functional studies, the clinical significance of the p.Leu779Gln change remains unknown at this time.

NM_198428.3(BBS9):c.2336T>A (p.Leu779Gln)

Gene: BBS9 (Bardet-Biedl syndrome 9; plus strand). Cytogenetic location: 7p14.3.
Variant type: single nucleotide variant.
Coding change: c.2336T>A on transcript NM_198428.3 (MANE Select); coding-DNA position 2336, T replaced by A.
Protein change: p.Leu779Gln; replaces leucine 779 with glutamine.
Molecular consequence: missense variant. On other transcripts: non-coding transcript variant (3).
Genome position (GRCh38, 1-based): chr7:33,533,991, T>A. VCF-style: chr7-33533991-T-A. GRCh37 (hg19) VCF-style: chr7-33573603-T-A.
Other names: c.2231T>A, p.Leu744Gln (NM_001033604.2); c.2321T>A, p.Leu774Gln (NM_001033605.2); c.2336T>A, p.Leu779Gln (NM_001348036.1, NM_001348041.4, NM_001348043.3 and 1 more transcripts); c.1787T>A, p.Leu596Gln (NM_001348037.3); c.2063T>A, p.Leu688Gln (NM_001348038.3); c.1958T>A, p.Leu653Gln (NM_001348039.3); c.2216T>A, p.Leu739Gln (NM_001348040.3, NM_014451.4); c.2201T>A, p.Leu734Gln (NM_001348042.3); and 2 more; short protein forms L779Q, L734Q, L739Q, L744Q, L653Q, L657Q, L596Q, L622Q.
Identifiers: ClinVar variation 242248 (VCV000242248.19), dbSNP rs142434516, ClinGen allele CA4214668.